The following is an entry in ClinVar:

ClinVar aggregate classification (germline): Uncertain significance (1 of 4 stars; one submission).

Submission:

CeGaT Center for Human Genetics Tuebingen
Classification: Uncertain significance. Last evaluated: 2026-01-01. Review status: criteria provided, single submitter. Criteria: CeGaT Center For Human Genetics Tuebingen Variant Classification Criteria Version 2. Collection method: clinical testing. Allele origin: germline. Affected: yes. Observed: 1 variant allele.
Comment: OTX2: PM2

NM_021728.4(OTX2):c.723G>T (p.Gln241His)

Gene: OTX2 (orthodenticle homeobox 2; minus strand). Cytogenetic location: 14q22.3.
Variant type: single nucleotide variant.
Coding change: c.723G>T on transcript NM_021728.4 (MANE Select); coding-DNA position 723, G replaced by T.
Protein change: p.Gln241His; replaces glutamine 241 with histidine.
Molecular consequence: missense variant. On other transcripts: non-coding transcript variant (2).
Genome position (GRCh38, 1-based): chr14:56,801,906, C>A on the plus strand (G>T on the coding strand, the complement: OTX2 is on the minus strand). VCF-style: chr14-56801906-C-A. GRCh37 (hg19) VCF-style: chr14-57268624-C-A.
Other names: c.699G>T, p.Gln233His (NM_001270523.2, NM_001270524.2, NM_172337.3); c.723G>T, p.Gln241His (NM_001270525.2); short protein forms Q233H, Q241H.
Identifiers: ClinVar variation 4823119 (VCV004823119.4).
Genomic context (GRCh38, chr14:56,801,906, plus strand): 5'-GGTTGAGTTAAAACCCAAGCTTGAAGCTCCATATCCCTGGGTGGAAAGAGAAGCTGGGGA[C>A]TGATTGAGATGGCTGGTGACTGCATTGGTACCCATGGGACTGAGTGTGGCCCCTGGTCCG-3'
Protein context (NP_068374.1, residues 231-251): GTNAVTSHLN[Gln241His]SPASLSTQGY